The following is an entry in ClinVar:

ClinVar aggregate classification (germline): Uncertain significance (1 of 4 stars; one submission).

Allele frequency attached by ClinVar (database versions not stated): TOPMed below 0.00001.

Submission:

CeGaT Center for Human Genetics Tuebingen
Classification: Uncertain significance. Last evaluated: 2024-01-01. Review status: criteria provided, single submitter. Criteria: CeGaT Center For Human Genetics Tuebingen Variant Classification Criteria Version 2. Collection method: clinical testing. Allele origin: germline. Affected: yes. Observed: 1 variant allele.
Comment: HSPA12B: PM2

NM_052970.5(HSPA12B):c.2000C>T (p.Thr667Ile)

Gene: HSPA12B (heat shock protein family A (Hsp70) member 12B; plus strand). Cytogenetic location: 20p13.
Variant type: single nucleotide variant.
Coding change: c.2000C>T on transcript NM_052970.5 (MANE Select); coding-DNA position 2000, C replaced by T.
Protein change: p.Thr667Ile; replaces threonine 667 with isoleucine.
Molecular consequence: missense variant.
Genome position (GRCh38, 1-based): chr20:3,752,105, C>T. VCF-style: chr20-3752105-C-T. GRCh37 (hg19) VCF-style: chr20-3732752-C-T.
Other names: c.1997C>T, p.Thr666Ile (NM_001197327.2); c.1742C>T, p.Thr581Ile (NM_001318322.2); short protein forms T581I, T666I, T667I.
Identifiers: ClinVar variation 3027012 (VCV003027012.22), dbSNP rs938733280, ClinGen allele CA311014395.